The following is an entry in ClinVar:

ClinVar aggregate classification (germline): Uncertain significance (1 of 4 stars; one submission).

Submission:

Labcorp Genetics (formerly Invitae), Labcorp
Classification: Uncertain significance. Last evaluated: 2025-06-23. Review status: criteria provided, single submitter. Criteria: Invitae Variant Classification Sherloc (09022015). Collection method: clinical testing. Allele origin: germline.
Comment: This sequence change replaces valine, which is neutral and non-polar, with phenylalanine, which is neutral and non-polar, at codon 666 of the FAT2 protein (p.Val666Phe). This variant is not present in population databases (gnomAD no frequency). This variant has not been reported in the literature in individuals affected with FAT2-related conditions. An algorithm developed to predict the effect of missense changes on protein structure and function (PolyPhen-2) suggests that this variant is likely to be disruptive. In summary, the available evidence is currently insufficient to determine the role of this variant in disease. Therefore, it has been classified as a Variant of Uncertain Significance.

NM_001447.3(FAT2):c.1996G>T (p.Val666Phe)

Gene: FAT2 (FAT atypical cadherin 2; minus strand). Cytogenetic location: 5q33.1.
Variant type: single nucleotide variant.
Coding change: c.1996G>T on transcript NM_001447.3 (MANE Select); coding-DNA position 1996, G replaced by T.
Protein change: p.Val666Phe; replaces valine 666 with phenylalanine.
Molecular consequence: missense variant.
Genome position (GRCh38, 1-based): chr5:151,566,936, C>A on the plus strand (G>T on the coding strand, the complement: FAT2 is on the minus strand). VCF-style: chr5-151566936-C-A. GRCh37 (hg19) VCF-style: chr5-150946497-C-A.
Other names: short protein forms V666F.
Identifiers: ClinVar variation 4768197 (VCV004768197.1).